The following is an entry in ClinVar:

ClinVar aggregate classification (germline): Uncertain significance (1 of 4 stars; one submission).

Conditions:
Inborn genetic diseases. Identifiers: MedGen C0950123, MeSH D030342.

Submission:

Ambry Genetics
Classification: Uncertain significance for Inborn genetic diseases. Last evaluated: 2026-06-21. Review status: criteria provided, single submitter. Criteria: Ambry Variant Classification Scheme 2023. Collection method: clinical testing. Allele origin: germline.
Comment: The p.S477C variant (also known as c.1429A>T), located in coding exon 10 of the FANCG gene, results from an A to T substitution at nucleotide position 1429. The serine at codon 477 is replaced by cysteine, an amino acid with dissimilar properties. This amino acid position is conserved. In addition, this alteration is predicted to be tolerated by in silico analysis. Based on the available evidence, the clinical significance of this variant remains unclear.

NM_004629.2(FANCG):c.1429A>T (p.Ser477Cys)

Gene: FANCG (FA complementation group G; minus strand). Cytogenetic location: 9p13.3.
Variant type: single nucleotide variant.
Coding change: c.1429A>T on transcript NM_004629.2 (MANE Select); coding-DNA position 1429, A replaced by T.
Protein change: p.Ser477Cys; replaces serine 477 with cysteine.
Molecular consequence: missense variant.
Genome position (GRCh38, 1-based): chr9:35,075,469, T>A on the plus strand (A>T on the coding strand, the complement: FANCG is on the minus strand). VCF-style: chr9-35075469-T-A. GRCh37 (hg19) VCF-style: chr9-35075466-T-A.
Other names: short protein forms S477C.
Identifiers: ClinVar variation 5036494 (VCV005036494.1).